The following is an entry in ClinVar:

ClinVar aggregate classification (germline): Uncertain significance (1 of 4 stars; one submission).

Allele frequency attached by ClinVar (database versions not stated): gnomAD exomes below 0.00001.
gnomAD v4.1: 1 of 1,609,844 alleles (0.000062%); highest among the groups gnomAD compares: South Asian, 0.0011%; no homozygotes.

Submission:

Labcorp Genetics (formerly Invitae), Labcorp
Classification: Uncertain significance. Last evaluated: 2024-07-01. Review status: criteria provided, single submitter. Criteria: Invitae Variant Classification Sherloc (09022015). Collection method: clinical testing. Allele origin: germline.
Comment: This sequence change replaces valine, which is neutral and non-polar, with methionine, which is neutral and non-polar, at codon 955 of the POP1 protein (p.Val955Met). This variant is not present in population databases (gnomAD no frequency). This variant has not been reported in the literature in individuals affected with POP1-related conditions. An algorithm developed to predict the effect of missense changes on protein structure and function (PolyPhen-2) suggests that this variant is likely to be tolerated. In summary, the available evidence is currently insufficient to determine the role of this variant in disease. Therefore, it has been classified as a Variant of Uncertain Significance.

NM_001145860.2(POP1):c.2863G>A (p.Val955Met)

Gene: POP1 (POP1 ribonuclease P/MRP subunit; plus strand). Cytogenetic location: 8q22.2.
Variant type: single nucleotide variant.
Coding change: c.2863G>A on transcript NM_001145860.2 (MANE Select); coding-DNA position 2863, G replaced by A.
Protein change: p.Val955Met; replaces valine 955 with methionine.
Molecular consequence: missense variant.
Genome position (GRCh38, 1-based): chr8:98,158,059, G>A. VCF-style: chr8-98158059-G-A. GRCh37 (hg19) VCF-style: chr8-99170287-G-A.
Other names: c.2863G>A, p.Val955Met (NM_001145861.2, NM_015029.3); short protein forms V955M.
Identifiers: ClinVar variation 2977210 (VCV002977210.3), dbSNP rs2488104444, ClinGen allele CA371777529.